The following is an entry in ClinVar:

ClinVar aggregate classification (germline): Uncertain significance (1 of 4 stars; one submission).

Conditions:
MED12L-related disorder. Also called: MED12L-related condition.

Submission:

PreventionGenetics, part of Exact Sciences
Classification: Uncertain significance for MED12L-related condition. Last evaluated: 2026-09-17. Review status: criteria provided, single submitter. Criteria: ACMG Guidelines, 2015. Collection method: clinical testing. Allele origin: germline.
Comment: The MED12L c.5084G>T variant is predicted to result in the amino acid substitution p.Arg1695Leu. To our knowledge, this variant has not been reported in the literature or in a large population database (gnomAD), indicating this variant is rare. At this time, the clinical significance of this variant is uncertain due to the absence of conclusive functional and genetic evidence.

NM_001393769.1(MED12L):c.5189G>T (p.Arg1730Leu)

Gene: MED12L (mediator complex subunit 12L; plus strand). Cytogenetic location: 3q25.1.
Variant type: single nucleotide variant.
Coding change: c.5189G>T on transcript NM_001393769.1 (MANE Select); coding-DNA position 5189, G replaced by T.
Protein change: p.Arg1730Leu; replaces arginine 1730 with leucine.
Molecular consequence: missense variant.
Genome position (GRCh38, 1-based): chr3:151,387,910, G>T. VCF-style: chr3-151387910-G-T. GRCh37 (hg19) VCF-style: chr3-151105698-G-T.
Other names: c.5084G>T, p.Arg1695Leu (NM_053002.6); short protein forms R1695L, R1730L.
Identifiers: ClinVar variation 4989234 (VCV004989234.1).